The following is an entry in ClinVar:

ClinVar aggregate classification (germline): Uncertain significance (1 of 4 stars; one submission).

Conditions:
Capillary malformation-arteriovenous malformation syndrome. Also called: Capillary malformation-arteriovenous malformation. Identifiers: Orphanet 137667, MedGen C1842180, MONDO:0012016.

Allele frequency attached by ClinVar (database versions not stated): gnomAD exomes below 0.00001.
gnomAD v4.1: 1 of 1,613,060 alleles (0.000062%); highest among the groups gnomAD compares: Non-Finnish European, 0.000085%; no homozygotes.

Submission:

Labcorp Genetics (formerly Invitae), Labcorp
Classification: Uncertain significance for Capillary malformation-arteriovenous malformation syndrome. Last evaluated: 2022-02-24. Review status: criteria provided, single submitter. Criteria: Invitae Variant Classification Sherloc (09022015). Collection method: clinical testing. Allele origin: germline.
Comment: This sequence change replaces threonine, which is neutral and polar, with isoleucine, which is neutral and non-polar, at codon 786 of the RASA1 protein (p.Thr786Ile). In summary, the available evidence is currently insufficient to determine the role of this variant in disease. Therefore, it has been classified as a Variant of Uncertain Significance. Algorithms developed to predict the effect of missense changes on protein structure and function are either unavailable or do not agree on the potential impact of this missense change (SIFT: "Deleterious"; PolyPhen-2: "Probably Damaging"; Align-GVGD: "Class C15"). This variant has not been reported in the literature in individuals affected with RASA1-related conditions. This variant is present in population databases (no rsID available, gnomAD 0.0009%).

NM_002890.3(RASA1):c.2357C>T (p.Thr786Ile)

Genes: CCNH (cyclin H; minus strand), RASA1 (RAS p21 protein activator 1; plus strand). Cytogenetic location: 5q14.3.
Variant type: single nucleotide variant.
Coding change: c.2357C>T on transcript NM_002890.3 (MANE Select); coding-DNA position 2357, C replaced by T.
Protein change: p.Thr786Ile; replaces threonine 786 with isoleucine.
Molecular consequence: missense variant. On other transcripts: intron variant (1).
Genome position (GRCh38, 1-based): chr5:87,378,408, C>T. VCF-style: chr5-87378408-C-T. GRCh37 (hg19) VCF-style: chr5-86674225-C-T.
Other names: c.1826C>T, p.Thr609Ile (NM_022650.3); c.933+16636G>A (NM_001364075.2); short protein forms T609I, T786I.
Identifiers: ClinVar variation 2103000 (VCV002103000.4), dbSNP rs1387140897, ClinGen allele CA360381999.